The following is an entry in ClinVar:

NM_000061.3(BTK):c.905G>T (p.Gly302Val)

Gene: BTK (Bruton tyrosine kinase; minus strand). Cytogenetic location: Xq22.1.
Variant type: single nucleotide variant.
Coding change: c.905G>T on transcript NM_000061.3 (MANE Select); coding-DNA position 905, G replaced by T.
Protein change: p.Gly302Val; replaces glycine 302 with valine.
Molecular consequence: missense variant.
Genome position (GRCh38, 1-based): chrX:101,358,686, C>A on the plus strand (G>T on the coding strand, the complement: BTK is on the minus strand). VCF-style: chrX-101358686-C-A. GRCh37 (hg19) VCF-style: chrX-100613674-C-A.
Other names: c.1007G>T, p.Gly336Val (NM_001287344.2); c.905G>T, p.Gly302Val (NM_001287345.2); short protein forms G302V, G336V.
Identifiers: ClinVar variation 2743116 (VCV002743116.4), dbSNP rs2520574200, ClinGen allele CA413929283.

ClinVar aggregate classification (germline): Uncertain significance (1 of 4 stars; one submission).

Conditions:
X-linked agammaglobulinemia with growth hormone deficiency (IGHD3). Also called: FLEISHER SYNDROME; HYPOGAMMAGLOBULINEMIA AND ISOLATED GROWTH HORMONE DEFICIENCY, X-LINKED; IGHD III; AGAMMAGLOBULINEMIA AND ISOLATED GROWTH HORMONE DEFICIENCY, X-LINKED; Isolated growth hormone deficiency type 3; Growth hormone deficiency with hypogammaglobulinemia. Identifiers: Orphanet 231692, Orphanet 631, MedGen C0472813, MONDO:0010615, OMIM 307200.

Submissions (2):

Labcorp Genetics (formerly Invitae), Labcorp
Classification: Uncertain significance for X-linked agammaglobulinemia with growth hormone deficiency. Last evaluated: 2024-01-18. Review status: criteria provided, single submitter. Criteria: Invitae Variant Classification Sherloc (09022015). Collection method: clinical testing. Allele origin: germline.
Comment: This sequence change replaces glycine, which is neutral and non-polar, with valine, which is neutral and non-polar, at codon 302 of the BTK protein (p.Gly302Val). This variant is not present in population databases (gnomAD no frequency). This missense change has been observed in individual(s) with clinical features of agammaglobulinemia (Invitae). Advanced modeling of protein sequence and biophysical properties (such as structural, functional, and spatial information, amino acid conservation, physicochemical variation, residue mobility, and thermodynamic stability) performed at Invitae indicates that this missense variant is expected to disrupt BTK protein function with a positive predictive value of 80%. Algorithms developed to predict the effect of sequence changes on RNA splicing suggest that this variant may disrupt the consensus splice site. This variant disrupts the p.Gly302 amino acid residue in BTK. Other variant(s) that disrupt this residue have been observed in individuals with BTK-related conditions (PMID: 7627183, 15024743, 29202590; Invitae), which suggests that this may be a clinically significant amino acid residue. In summary, the available evidence is currently insufficient to determine the role of this variant in disease. Therefore, it has been classified as a Variant of Uncertain Significance.

Dr. Peter K. Rogan Lab, Western University
No classification provided (evidence only). Condition: Thyroid cancer, nonmedullary, 1. Review status: no classification provided. Collection method: in vitro. Allele origin: not applicable. Functional consequence: retained intron. Not counted in ClinVar's aggregate classification.

Literature cited by the submitters: PubMed 7627183 (cited by Labcorp Genetics (formerly Invitae), Labcorp); PubMed 15024743 (cited by Labcorp Genetics (formerly Invitae), Labcorp); PubMed 29202590 (cited by Labcorp Genetics (formerly Invitae), Labcorp).